The following is an entry in ClinVar:

ClinVar aggregate classification (germline): Uncertain significance (1 of 4 stars; one submission).

Conditions:
Myopathy, proximal, and ophthalmoplegia (CMYO6). Also called: MYOPATHY WITH CONGENITAL JOINT CONTRACTURES, OPHTHALMOPLEGIA, AND RIMMED VACUOLES; INCLUSION BODY MYOPATHY 3, AUTOSOMAL DOMINANT; CONGENITAL MYOPATHY 6 WITH OPHTHALMOPLEGIA. Identifiers: Orphanet 363677, Orphanet 79091, MedGen C1854106, MONDO:0011577, OMIM 605637.

Allele frequency attached by ClinVar (database versions not stated): TOPMed below 0.00001.
gnomAD v4.1: 2 of 1,614,152 alleles (0.00012%); highest among the groups gnomAD compares: Non-Finnish European, 0.000085%; no homozygotes.

Submission:

Labcorp Genetics (formerly Invitae), Labcorp
Classification: Uncertain significance for Myopathy, proximal, and ophthalmoplegia. Last evaluated: 2023-11-09. Review status: criteria provided, single submitter. Criteria: Invitae Variant Classification Sherloc (09022015). Collection method: clinical testing. Allele origin: germline.
Comment: This sequence change replaces arginine, which is basic and polar, with threonine, which is neutral and polar, at codon 1283 of the MYH2 protein (p.Arg1283Thr). This variant is not present in population databases (gnomAD no frequency). This variant has not been reported in the literature in individuals affected with MYH2-related conditions. Advanced modeling of protein sequence and biophysical properties (such as structural, functional, and spatial information, amino acid conservation, physicochemical variation, residue mobility, and thermodynamic stability) performed at Invitae indicates that this missense variant is not expected to disrupt MYH2 protein function with a negative predictive value of 80%. In summary, the available evidence is currently insufficient to determine the role of this variant in disease. Therefore, it has been classified as a Variant of Uncertain Significance.

NM_017534.6(MYH2):c.3848G>C (p.Arg1283Thr)

Genes: MYH2 (myosin heavy chain 2; minus strand), MYHAS (myosin heavy chain gene cluster antisense RNA; plus strand). Cytogenetic location: 17p13.1.
Variant type: single nucleotide variant.
Coding change: c.3848G>C on transcript NM_017534.6 (MANE Select); coding-DNA position 3848, G replaced by C.
Protein change: p.Arg1283Thr; replaces arginine 1283 with threonine.
Molecular consequence: missense variant.
Genome position (GRCh38, 1-based): chr17:10,527,771, C>G on the plus strand (G>C on the coding strand, the complement: MYH2 is on the minus strand). VCF-style: chr17-10527771-C-G. GRCh37 (hg19) VCF-style: chr17-10431088-C-G.
Other names: c.3848G>C, p.Arg1283Thr (NM_001100112.2); short protein forms R1283T.
Identifiers: ClinVar variation 2983274 (VCV002983274.3), dbSNP rs2073371857, ClinGen allele CA398131494.
Genomic context (GRCh38, chr17:10,527,771, plus strand): 5'-CTCCACCCTGAAGCTGCACAGAAGAGGGGAGAGTTACCAGATTCAGTCTGCAGGCGCCCC[C>G]TCTGCGCAGTCAGGTCATTGATCAGCCGCTGCTGCTCCTCTTCCTTTGATTTCAGTTCAC-3'
Protein context (NP_060004.3, residues 1273-1293): QRLINDLTAQ[Arg1283Thr]GRLQTESGEF